The following is an entry in ClinVar:

ClinVar aggregate classification (germline): Uncertain significance. Review status: criteria provided, multiple submitters, no conflicts (2 of 4 stars). 2 submissions from 2 submitters: Uncertain significance (2). Last evaluated 2025-07-30.

Allele frequency attached by ClinVar (database versions not stated): ExAC 0.00001; TOPMed 0.00001.

Submissions (2):

Labcorp Genetics (formerly Invitae), Labcorp
Classification: Uncertain significance. Last evaluated: 2025-07-30. Review status: criteria provided, single submitter. Criteria: Invitae Variant Classification Sherloc (09022015). Collection method: clinical testing. Allele origin: germline.
Comment: This sequence change replaces glutamine, which is neutral and polar, with arginine, which is basic and polar, at codon 333 of the FAM46A protein (p.Gln333Arg). This variant is present in population databases (rs759391126, gnomAD 0.006%). This variant has not been reported in the literature in individuals affected with FAM46A-related conditions. ClinVar contains an entry for this variant (Variation ID: 1905224). Invitae Evidence Modeling of protein sequence and biophysical properties (such as structural, functional, and spatial information, amino acid conservation, physicochemical variation, residue mobility, and thermodynamic stability) indicates that this missense variant is not expected to disrupt FAM46A protein function with a negative predictive value of 80%. In summary, the available evidence is currently insufficient to determine the role of this variant in disease. Therefore, it has been classified as a Variant of Uncertain Significance.

Ambry Genetics
Classification: Uncertain significance. Last evaluated: 2024-07-30. Review status: criteria provided, single submitter. Criteria: Ambry Variant Classification Scheme 2023. Collection method: clinical testing. Allele origin: germline.

NM_017633.3(TENT5A):c.998A>G (p.Gln333Arg)

Gene: TENT5A (terminal nucleotidyltransferase 5A; minus strand). Cytogenetic location: 6q14.1.
Variant type: single nucleotide variant.
Coding change: c.998A>G on transcript NM_017633.3 (MANE Select); coding-DNA position 998, A replaced by G.
Protein change: p.Gln333Arg; replaces glutamine 333 with arginine.
Molecular consequence: missense variant.
Genome position (GRCh38, 1-based): chr6:81,750,026, T>C on the plus strand (A>G on the coding strand, the complement: TENT5A is on the minus strand). VCF-style: chr6-81750026-T-C. GRCh37 (hg19) VCF-style: chr6-82459743-T-C.
Other names: c.998A>G (NM_017633.2); short protein forms Q333R.
Identifiers: ClinVar variation 1905224 (VCV001905224.5), dbSNP rs759391126, ClinGen allele CA3902936.